The following is an entry in ClinVar:

ClinVar aggregate classification (germline): Uncertain significance (1 of 4 stars; one submission).

Conditions:
Dyskeratosis congenita. Identifiers: Orphanet 1775, MedGen C0265965, MONDO:0015780.

Allele frequency attached by ClinVar (database versions not stated): gnomAD exomes below 0.00001 and 0.00001; ExAC 0.00001; gnomAD 0.00001.

Submission:

Labcorp Genetics (formerly Invitae), Labcorp
Classification: Uncertain significance for Dyskeratosis congenita. Last evaluated: 2022-11-11. Review status: criteria provided, single submitter. Criteria: Invitae Variant Classification Sherloc (09022015). Collection method: clinical testing. Allele origin: germline.
Comment: In summary, the available evidence is currently insufficient to determine the role of this variant in disease. Therefore, it has been classified as a Variant of Uncertain Significance. Algorithms developed to predict the effect of missense changes on protein structure and function output the following: SIFT: "Tolerated"; PolyPhen-2: "Possibly Damaging"; Align-GVGD: "Class C0". The proline amino acid residue is found in multiple mammalian species, which suggests that this missense change does not adversely affect protein function. ClinVar contains an entry for this variant (Variation ID: 946268). This variant has not been reported in the literature in individuals affected with TINF2-related conditions. This variant is present in population databases (rs755072937, gnomAD 0.002%). This sequence change replaces alanine, which is neutral and non-polar, with proline, which is neutral and non-polar, at codon 323 of the TINF2 protein (p.Ala323Pro).

NM_001099274.3(TINF2):c.967G>C (p.Ala323Pro)

Gene: TINF2 (TERF1 interacting nuclear factor 2; minus strand). Cytogenetic location: 14q12.
Variant type: single nucleotide variant.
Coding change: c.967G>C on transcript NM_001099274.3 (MANE Select); coding-DNA position 967, G replaced by C.
Protein change: p.Ala323Pro; replaces alanine 323 with proline.
Molecular consequence: missense variant.
Genome position (GRCh38, 1-based): chr14:24,240,513, C>G on the plus strand (G>C on the coding strand, the complement: TINF2 is on the minus strand). VCF-style: chr14-24240513-C-G. GRCh37 (hg19) VCF-style: chr14-24709719-C-G.
Other names: c.862G>C, p.Ala288Pro (NM_001363668.2); c.967G>C, p.Ala323Pro (NM_012461.3); short protein forms A323P, A288P.
Identifiers: ClinVar variation 946268 (VCV000946268.7), dbSNP rs755072937, ClinGen allele CA7130540.